The following is an entry in ClinVar:

ClinVar aggregate classification (germline): Uncertain significance. Review status: criteria provided, multiple submitters, no conflicts (2 of 4 stars). 2 submissions from 2 submitters: Uncertain significance (2). Last evaluated 2025-12-17.

Conditions:
Spastic paraplegia. Identifiers: MedGen C0037772, HP:0001258.

Submissions (2):

Labcorp Genetics (formerly Invitae), Labcorp
Classification: Uncertain significance for Spastic paraplegia. Last evaluated: 2025-12-17. Review status: criteria provided, single submitter. Criteria: Invitae Variant Classification Sherloc (09022015). Collection method: clinical testing. Allele origin: germline.
Comment: This sequence change replaces glutamine, which is neutral and polar, with arginine, which is basic and polar, at codon 63 of the ERLIN2 protein (p.Gln63Arg). This variant is not present in population databases (gnomAD no frequency). This variant has not been reported in the literature in individuals affected with ERLIN2-related conditions. ClinVar contains an entry for this variant (Variation ID: 1307282). An algorithm developed to predict the effect of missense changes on protein structure and function (PolyPhen-2) suggests that this variant is likely to be disruptive. Algorithms developed to predict the effect of sequence changes on RNA splicing suggest that this variant may disrupt the consensus splice site. This variant disrupts the p.Gln63 amino acid residue in ERLIN2. Other variant(s) that disrupt this residue have been determined to be pathogenic (PMID: 32147972; internal data). This suggests that this residue is clinically significant, and that variants that disrupt this residue are likely to be disease-causing. In summary, the available evidence is currently insufficient to determine the role of this variant in disease. Therefore, it has been classified as a Variant of Uncertain Significance.

GeneDx
Classification: Uncertain significance. Last evaluated: 2023-06-20. Review status: criteria provided, single submitter. Criteria: GeneDx Variant Classification Process June 2021. Collection method: clinical testing. Allele origin: germline. Affected: yes.
Comment: In silico analysis, which includes protein predictors and evolutionary conservation, supports a deleterious effect; Has not been previously published as pathogenic or benign to our knowledge; In silico analysis supports a deleterious effect on splicing; Not observed at significant frequency in large population cohorts (gnomAD); This variant is associated with the following publications: (PMID: 21330303)

Literature cited by the submitters: PubMed 32147972 (cited by Labcorp Genetics (formerly Invitae), Labcorp).

NM_007175.8(ERLIN2):c.188A>G (p.Gln63Arg)

Gene: ERLIN2 (ER lipid raft associated 2; plus strand). Cytogenetic location: 8p11.23.
Variant type: single nucleotide variant.
Coding change: c.188A>G on transcript NM_007175.8 (MANE Select); coding-DNA position 188, A replaced by G.
Protein change: p.Gln63Arg; replaces glutamine 63 with arginine.
Molecular consequence: missense variant.
Genome position (GRCh38, 1-based): chr8:37,740,445, A>G. VCF-style: chr8-37740445-A-G. GRCh37 (hg19) VCF-style: chr8-37597963-A-G.
Other names: c.188A>G, p.Gln63Arg (NM_001003790.4, NM_001003791.3, NM_001362878.2 and 1 more transcripts); short protein forms Q63R.
Identifiers: ClinVar variation 1307282 (VCV001307282.4), dbSNP rs2129653824, ClinGen allele CA370650193.